The following is an entry in ClinVar:

ClinVar aggregate classification (germline): Conflicting classifications of pathogenicity. Review status: criteria provided, conflicting classifications (1 of 4 stars). 4 submissions from 4 submitters: Uncertain significance (1); Likely benign (3). Last evaluated 2026-09-20.

Conditions:
SAG-related disorder. Also called: SAG-related condition; SAG-related disorders.
Retinal dystrophy. Also called: Inherited retinal dystrophy. Identifiers: Orphanet 71862, MedGen C0854723, MeSH D058499, MONDO:0019118, HP:0000556.

Allele frequency attached by ClinVar (database versions not stated): gnomAD exomes below 0.00001; gnomAD 0.00001; ExAC 0.00002; TOPMed 0.00002.

Submissions (4):

PreventionGenetics, part of Exact Sciences
Classification: Likely benign for SAG-related condition. Last evaluated: 2026-09-20. Review status: criteria provided, single submitter. Criteria: ACMG Guidelines, 2015. Collection method: clinical testing. Allele origin: germline.
Comment: This variant is classified as likely benign based on ACMG/AMP sequence variant interpretation guidelines (Richards et al. 2015 PMID: 25741868, with internal and published modifications).

Labcorp Genetics (formerly Invitae), Labcorp
Classification: Likely benign. Last evaluated: 2025-10-24. Review status: criteria provided, single submitter. Criteria: Invitae Variant Classification Sherloc (09022015). Collection method: clinical testing. Allele origin: germline.

Dept Of Ophthalmology, Nagoya University
Classification: Uncertain significance for Retinal dystrophy. Last evaluated: 2023-10-01. Review status: criteria provided, single submitter. Criteria: Submitter's publication. Collection method: research. Allele origin: germline. Affected: yes.

Blueprint Genetics
Classification: Likely benign. Last evaluated: 2022-04-02. Review status: criteria provided, single submitter. Criteria: ACMG Guidelines, 2015. Collection method: clinical testing. Allele origin: germline.

NM_000541.5(SAG):c.36G>A (p.Pro12=)

Gene: SAG (S-antigen visual arrestin; plus strand). Cytogenetic location: 2q37.1.
Variant type: single nucleotide variant.
Coding change: c.36G>A on transcript NM_000541.5 (MANE Select); coding-DNA position 36, G replaced by A.
Protein change: p.Pro12=; no amino-acid change (proline 12 retained).
Molecular consequence: synonymous variant.
Genome position (GRCh38, 1-based): chr2:233,309,225, G>A. VCF-style: chr2-233309225-G-A. GRCh37 (hg19) VCF-style: chr2-234217871-G-A.
Other names: c.36G>A (NM_000541.4).
Identifiers: ClinVar variation 1924889 (VCV001924889.8), dbSNP rs765255437, ClinGen allele CA2174180.